The following is an entry in ClinVar:

ClinVar aggregate classification (germline): Conflicting classifications of pathogenicity. Review status: criteria provided, conflicting classifications (1 of 4 stars). 7 submissions from 7 submitters: Likely pathogenic (5); Uncertain significance (1). 1 of the submissions does not count toward it. Last evaluated 2025-08-17.

Conditions:
Hereditary breast ovarian cancer syndrome. Also called: Hereditary breast and ovarian cancer syndrome (HBOC); Hereditary breast and ovarian cancer; BRCA1- and BRCA2-Associated Hereditary Breast and Ovarian Cancer; Breast and ovarian cancer; Hereditary breast and ovarian cancer syndrome; Hereditary breast and/or ovarian cancer syndrome. Identifiers: Orphanet 145, MedGen C0677776, MeSH D061325, MONDO:0003582. Disease mechanism: loss of function.
Breast-ovarian cancer, familial, susceptibility to, 1 (BROVCA1). Also called: OVARIAN CANCER, SUSCEPTIBILITY TO; BRCA1 Hereditary Breast and Ovarian Cancer. Identifiers: Orphanet 145, MedGen C2676676, MONDO:0011450, OMIM 604370. Disease mechanism: loss of function.
Familial cancer of breast. Also called: BREAST CANCER, FAMILIAL; hereditary breast carcinoma; Hereditary breast cancer. Identifiers: Orphanet 227535, MedGen C0346153, MONDO:0016419, OMIM 114480. Disease mechanism: loss of function.
Fanconi anemia, complementation group S (FANCS). Identifiers: MedGen C4554406, MONDO:0054748, OMIM 617883.
BRCA1-related cancer predisposition. Identifiers: MedGen CN377757, MONDO:0700268.
Hereditary cancer-predisposing syndrome. Also called: Hereditary neoplastic syndrome; Tumor predisposition; Hereditary Cancer Syndrome; Neoplastic Syndromes, Hereditary. Identifiers: Orphanet 140162, MedGen C0027672, MeSH D009386, MONDO:0015356.

Allele frequency attached by ClinVar (database versions not stated): gnomAD 0.00001; TOPMed 0.00001.
gnomAD v4.1: 1 of 152,164 alleles (0.00066%); highest among the groups gnomAD compares: African/African-American, 0.0024%; no homozygotes.

Submissions (7):

Labcorp Genetics (formerly Invitae), Labcorp
Classification: Uncertain significance for Hereditary breast ovarian cancer syndrome. Last evaluated: 2025-08-17. Review status: criteria provided, single submitter. Criteria: Invitae Variant Classification Sherloc (09022015). Collection method: clinical testing. Allele origin: germline.
Comment: This sequence change falls in intron 11 of the BRCA1 gene. It does not directly change the encoded amino acid sequence of the BRCA1 protein. RNA analysis indicates that this variant induces altered splicing and may result in an absent or altered protein product. This variant is not present in population databases (gnomAD no frequency). This variant has been observed in individual(s) with breast and ovarian cancer (PMID: 30472649). ClinVar contains an entry for this variant (Variation ID: 632611). Studies have shown that this variant results in activation of a cryptic splice site, and produces a non-functional protein and/or introduces a premature termination codon (PMID: 30472649). In summary, the available evidence is currently insufficient to determine the role of this variant in disease. Therefore, it has been classified as a Variant of Uncertain Significance.

Ambry Genetics
Classification: Likely pathogenic for Hereditary cancer-predisposing syndrome. Last evaluated: 2025-03-02. Review status: criteria provided, single submitter. Criteria: Ambry Variant Classification Scheme 2023. Collection method: clinical testing. Allele origin: germline.
Comment: The c.4185+4105C>T intronic variant results from a C to T substitution 4105 nucleotides after coding exon 10 in the BRCA1 gene. This nucleotide position is not well conserved in available vertebrate species. RNA studies have shown this alteration creates a cryptic donor site that results in the addition of 114 nucleotides and a premature termination codon into the transcript, which will result in nonsense-mediated mRNA decay (Ambry internal data; Montalban G et al. J Med Genet, 2019 02;56:63-74). This variant is considered to be rare based on population cohorts in the Genome Aggregation Database (gnomAD). In silico splice site analysis for this alteration is inconclusive. Based on the majority of available evidence to date, this variant is likely to be pathogenic.

GeneDx
Classification: Likely pathogenic. Last evaluated: 2024-05-01. Review status: criteria provided, single submitter. Criteria: GeneDx Variant Classification Process June 2021. Collection method: clinical testing. Allele origin: germline. Affected: yes.
Comment: Non-canonical splice site variant demonstrated to cause aberrant splicing, resulting in a null allele in a gene for which loss of function is a known mechanism of disease (PMID: 30472649); Observed in a patient with breast and ovarian cancer (PMID: 30472649); No data available from control populations to assess the frequency of this variant; Also known as 4304+4105C>T; This variant is associated with the following publications: (PMID: 34283047, 35456503, 34237702, 32623769, 30472649)

All of Us Research Program, National Institutes of Health
Classification: Likely pathogenic for BRCA1-related cancer predisposition. Last evaluated: 2024-04-25. Review status: criteria provided, single submitter. Criteria: ACMG Guidelines, 2015. Collection method: clinical testing. Allele origin: germline. Inheritance: Autosomal dominant inheritance. Observed: 1 variant allele, 1 heterozygote.
Comment: This variant causes a C to T nucleotide substitution at the +4105 position of intron 11 of the BRCA1 gene. RNA analysis on carrier total RNA showed the inclusion of an out-of-frame pseudo-exon from intron 11, which is predicted to produce absent or non-functional protein product (PMID: 30472649). This variant has been reported in an individual affected with ovarian and breast cancer (PMID: 30472649). This variant has not been identified in the general population by the Genome Aggregation Database (gnomAD). Based on the available evidence, this variant is classified as Likely Pathogenic.

This study involves interpretation of variants in research participants for the purpose of population health screening. Participant phenotype was not available at the time of variant classification. Additional details can be found in publication PMID: 35346344, PMCID: PMC8962531

Baylor Genetics
Classification: Likely pathogenic for Breast-ovarian cancer, familial, susceptibility to, 1. Last evaluated: 2023-12-28. Review status: criteria provided, single submitter. Criteria: ACMG Guidelines, 2015. Collection method: clinical testing. Allele origin: unknown.

Department of Pathology and Laboratory Medicine, Sinai Health System
Classification: Likely pathogenic for Familial cancer of breast; Breast-ovarian cancer, familial, susceptibility to, 1; Fanconi anemia, complementation group S. Review status: criteria provided, single submitter. Criteria: ACMG Guidelines, 2015. Collection method: clinical testing. Allele origin: germline.

Hereditary Cancer Genetics group, Vall d'Hebron Institute of Oncology
Classification: Likely pathogenic for Hereditary breast and ovarian cancer syndrome. Last evaluated: 2019-03-01. Review status: no assertion criteria provided. Collection method: research. Allele origin: germline. Affected: yes. Not counted in ClinVar's aggregate classification.

Literature cited by the submitters: PubMed 30472649 (cited by 4 submitters).

NM_007294.4(BRCA1):c.4185+4105C>T

Gene: BRCA1 (BRCA1 DNA repair associated; minus strand). Cytogenetic location: 17q21.31.
Variant type: single nucleotide variant.
Coding change: c.4185+4105C>T on transcript NM_007294.4 (MANE Select); 4105 bases into the intron after coding-DNA position 4185, C replaced by T.
Molecular consequence: intron variant.
Genome position (GRCh38, 1-based): chr17:43,086,839, G>A on the plus strand (C>T on the coding strand, the complement: BRCA1 is on the minus strand). VCF-style: chr17-43086839-G-A. GRCh37 (hg19) VCF-style: chr17-41238856-G-A.
Other names: c.735+4105C>T (NM_001408458.1, NM_001408469.1, NM_001408453.1 and 11 more transcripts); c.3297+4105C>T (NM_001407967.1, NM_001407966.1); c.3804+4105C>T (NM_001407959.1, NM_001407963.1, NM_001407960.1); c.3918+4105C>T (NM_001407931.1, NM_001407932.1, NM_001407934.1 and 2 more transcripts); c.4041+4105C>T (NM_001407747.1, NM_001407848.1, NM_001407839.1 and 20 more transcripts); c.3801+4105C>T (NM_001407962.1); c.372+4105C>T (NM_001408512.1); c.495+4105C>T (NM_001408510.1); and 41 more.
Identifiers: ClinVar variation 632611 (VCV000632611.14), dbSNP rs1597853155, ClinGen allele CA915950066.